The following is an entry in ClinVar:

NC_012920.1(MT-ND1):m.3734A>G

Gene: MT-ND1 (mitochondrially encoded NADH dehydrogenase 1; plus strand).
Variant type: single nucleotide variant.
Genome position: chrM-3734-A-G.
Other names: NC_012920.1:m.3734A>G.
Identifiers: ClinVar variation 3900732 (VCV003900732.1).

ClinVar aggregate classification (germline): Uncertain significance (3 of 4 stars; one submission).

Conditions:
Mitochondrial disease. Also called: Mitochondrial disorder; Mitochondrial disorders. Identifiers: Orphanet 68380, MedGen C0751651, MeSH D028361, MONDO:0044970.

Submission:

ClinGen Mitochondrial Disease Nuclear and Mitochondrial  Variant Curation Expert Panel, ClinGen
Classification: Uncertain significance for Mitochondrial disease. Last evaluated: 2025-02-04. Review status: reviewed by expert panel. Criteria: clingen mito disease acmg specifications v1-1. Collection method: curation. Allele origin: germline. Inheritance: Mitochondrial inheritance.
Comment: The m.3734A>G (p.E143G) variant in MT-ND1 has been reported in two probands with primary mitochondrial disease (PS4_supporting; PMIDs: 35892476, 38582886). The first reported proband had Leber Hereditary Optic Neuropathy (LHON) and the variant present at homoplasmy. This case was reported as part of a cohort study so limited clinical information was provided (PMID: 35892476). The second proband reported was part of a large family with several family members with LHON. The variant was homoplasmic in blood in 18 affected and 40 unaffected maternal family members (PMID: 38582886). There are no de novo occurrences of this variant to our knowledge. There are several occurrences in population databases (one occurrence in MITOMAP GenBank sequences, two homoplasmic occurrences in gnomAD v3.1.2, two homoplasmic occurrences in the Helix dataset), however the frequency is still low (PM2_supporting). The computational predictor APOGEE suggests this variant is pathogenic (APOGEE2: 0.603, APOGEE1: 0.63; PP3). Cybrid studies were performed but not significantly different from controls (PMID: 38582886). In summary, this variant meets criteria to be classified as uncertain significance for primary mitochondrial disease inherited in a mitochondrial manner. This classification was approved by the NICHD/NINDS U24 ClinGen Mitochondrial Disease Variant Curation Expert Panel on February 4, 2025. Mitochondrial DNA-specific ACMG/AMP criteria applied (PMID: 32906214): PM2_supporting, PP3, PS4_supporting.